The following is an entry in ClinVar:

ClinVar aggregate classification (germline): Uncertain significance (1 of 4 stars; one submission).

Allele frequency attached by ClinVar (database versions not stated): ExAC 0.00001; gnomAD exomes 0.00001.
gnomAD v4.1: 5 of 1,614,166 alleles (0.00031%); highest among the groups gnomAD compares: Non-Finnish European, 0.00025%; no homozygotes.

Submission:

Labcorp Genetics (formerly Invitae), Labcorp
Classification: Uncertain significance. Last evaluated: 2023-02-08. Review status: criteria provided, single submitter. Criteria: Invitae Variant Classification Sherloc (09022015). Collection method: clinical testing. Allele origin: germline.
Comment: This sequence change replaces threonine, which is neutral and polar, with alanine, which is neutral and non-polar, at codon 2697 of the FAT2 protein (p.Thr2697Ala). This variant is present in population databases (rs771807638, gnomAD 0.0009%). This variant has not been reported in the literature in individuals affected with FAT2-related conditions. Advanced modeling of protein sequence and biophysical properties (such as structural, functional, and spatial information, amino acid conservation, physicochemical variation, residue mobility, and thermodynamic stability) performed at Invitae indicates that this missense variant is expected to disrupt FAT2 protein function. In summary, the available evidence is currently insufficient to determine the role of this variant in disease. Therefore, it has been classified as a Variant of Uncertain Significance.

NM_001447.3(FAT2):c.8089A>G (p.Thr2697Ala)

Genes: FAT2 (FAT atypical cadherin 2; minus strand), SLC36A1 (solute carrier family 36 member 1; plus strand). Cytogenetic location: 5q33.1.
Variant type: single nucleotide variant.
Coding change: c.8089A>G on transcript NM_001447.3 (MANE Select); coding-DNA position 8089, A replaced by G.
Protein change: p.Thr2697Ala; replaces threonine 2697 with alanine.
Molecular consequence: missense variant.
Genome position (GRCh38, 1-based): chr5:151,543,038, T>C on the plus strand (A>G on the coding strand, the complement: FAT2 is on the minus strand). VCF-style: chr5-151543038-T-C. GRCh37 (hg19) VCF-style: chr5-150922599-T-C.
Other names: short protein forms T2697A.
Identifiers: ClinVar variation 2805767 (VCV002805767.3), dbSNP rs771807638, ClinGen allele CA3520854.